The following continues an entry in ClinVar:

NM_000492.4(CFTR):c.3041A>G (p.Tyr1014Cys)

ClinVar aggregate classification (germline): Uncertain significance. Uncertain significance (1).

Submission 19 of 19:

Department of Pathology and Laboratory Medicine, Sinai Health System
Classification: Uncertain significance. Review status: no assertion criteria provided. Collection method: clinical testing. Allele origin: unknown. Affected: yes. Study: The Canadian Open Genetics Repository (COGR). Not counted in ClinVar's aggregate classification.
Comment: The CFTR p.Tyr1014Cys variant was identified in the literature in cases of Cystic Fibrosis (CF) or congenital absence of the vas deferens (CAVD) as well as in healthy controls. The variant was identified in the heterozygous state in 3/176 Israeli CF patients lacking a known molecular diagnosis and in 2/977 Spanish families with CF (freq=0.001) (Behar_2017_PMID:28546993; Alonso_2007_PMID:17331079). The variant was also found in 1/134 men (freq=0.004) with CAVD (Casals_2000_PMID:10875853). A study of 512 unaffected Portuguese children reported the Y1014C variant in the heterozygous state in 2 children (Grangeia_2018_PMID:29589582). Functional studies of multiple known or suggested CF variants showed that the Y1014C variant retained ~74% of wildtype function, compared to less than 1% of wildtype function from the well-known deltaF508 CF mutation; this does not suggest a strong functional effect of the Y1014C variant (Raraigh_2018_PMID:29805046). The variant was also identified in dbSNP (ID: rs149279509), LOVD 3.0 and ClinVar (classified as a VUS by EGL Genetic Diagnostics, Quest Diagnostics and Integrated Genetics/Laboratory Corporation of America) but was not found in Cosmic. The variant was identified in control databases in 73 of 282520 chromosomes at a frequency of 0.000258 (Genome Aggregation Database Feb 27, 2017). The variant was observed in the following populations: Ashkenazi Jewish in 39 of 10364 chromosomes (freq: 0.003763), Other in 4 of 7198 chromosomes (freq: 0.000556), Latino in 17 of 35350 chromosomes (freq: 0.000481) and European (non-Finnish) in 13 of 129000 chromosomes (freq: 0.000101); it was not observed in the African, East Asian, European (Finnish), and South Asian populations. The variant occurs outside of the splicing consensus sequence and in silico or computational prediction software programs (SpliceSiteFinder, MaxEntScan, NNSPLICE, and GeneSplicer) do not predict a difference in splicing. The p.Tyr1014 residue is conserved in mammals but not in more distantly related organisms and computational analyses (PolyPhen-2, SIFT, AlignGVGD, BLOSUM, and MutationTaster) provide inconsistent predictions regarding the impact to the protein; this information is not very predictive of pathogenicity. In summary, based on the above information the clinical significance of this variant cannot be determined with certainty at this time. This variant is classified as a variant of uncertain significance.

Literature cited by the submitters: PubMed 18687795 (cited by Women's Health and Genetics/Laboratory Corporation of America, LabCorp and Labcorp Genetics (formerly Invitae), Labcorp); PubMed 19812525 (cited by Women's Health and Genetics/Laboratory Corporation of America, LabCorp and Ambry Genetics); PubMed 10875853 (cited by 5 submitters); PubMed 17331079 (cited by 5 submitters); PubMed 15151509 (cited by 3 submitters); PubMed 11466205 (cited by 4 submitters); PubMed 23687349 (cited by Women's Health and Genetics/Laboratory Corporation of America, LabCorp); PubMed 23951356 (cited by 7 submitters); PubMed 25087612 (cited by Women's Health and Genetics/Laboratory Corporation of America, LabCorp and Quest Diagnostics Nichols Institute San Juan Capistrano); PubMed 26847993 (cited by Women's Health and Genetics/Laboratory Corporation of America, LabCorp); PubMed 25203624 (cited by Women's Health and Genetics/Laboratory Corporation of America, LabCorp); PubMed 26182300 (cited by Women's Health and Genetics/Laboratory Corporation of America, LabCorp and Labcorp Genetics (formerly Invitae), Labcorp); PubMed 27449771 (cited by 3 submitters); PubMed 28546993 (cited by 4 submitters); PubMed 17663888 (cited by Women's Health and Genetics/Laboratory Corporation of America, LabCorp and Labcorp Genetics (formerly Invitae), Labcorp); PubMed 25880441 (cited by Women's Health and Genetics/Laboratory Corporation of America, LabCorp); PubMed 29805046 (cited by 4 submitters); PubMed 29669919 (cited by Women's Health and Genetics/Laboratory Corporation of America, LabCorp); PubMed 27022295 (cited by Women's Health and Genetics/Laboratory Corporation of America, LabCorp and Eurofins Ntd Llc (ga)); PubMed 29589582 (cited by Women's Health and Genetics/Laboratory Corporation of America, LabCorp and Quest Diagnostics Nichols Institute San Juan Capistrano); PubMed 25383785 (cited by 5 submitters); PubMed 30888834 (cited by 3 submitters); PubMed 31665830 (cited by 3 submitters); PubMed 31036917 (cited by 3 submitters); PubMed 34996830 (cited by Women's Health and Genetics/Laboratory Corporation of America, LabCorp and Quest Diagnostics Nichols Institute San Juan Capistrano); PubMed 36969284 (cited by Women's Health and Genetics/Laboratory Corporation of America, LabCorp); PubMed 38388235 (cited by Women's Health and Genetics/Laboratory Corporation of America, LabCorp); PubMed 36372909 (cited by Women's Health and Genetics/Laboratory Corporation of America, LabCorp); PubMed 32003480 (cited by Mayo Clinic Laboratories, Mayo Clinic); PubMed 32734384 (cited by Mayo Clinic Laboratories, Mayo Clinic); PubMed 34405919 (cited by Mayo Clinic Laboratories, Mayo Clinic and Quest Diagnostics Nichols Institute San Juan Capistrano); PubMed 36207272 (cited by Mayo Clinic Laboratories, Mayo Clinic).